The following is an entry in ClinVar:

ClinVar aggregate classification (germline): Benign/Likely benign. Review status: criteria provided, multiple submitters, no conflicts (2 of 4 stars). 3 submissions from 3 submitters: Benign (1); Likely benign (2). Last evaluated 2025-12-29.

Allele frequency attached by ClinVar (database versions not stated): ESP Exome Variant Server 0.00069; gnomAD exomes 0.00074 and 0.00112; 1000 Genomes Project 0.00080; gnomAD 0.00087 and 0.00100; 1000 Genomes Project 30x 0.00094; TOPMed 0.00107; ExAC 0.00110.
gnomAD v4.1: 1,303 of 1,611,262 alleles (0.081%); highest among the groups gnomAD compares: Middle Eastern, 0.46%; 8 homozygotes.

Submissions (3):

Labcorp Genetics (formerly Invitae), Labcorp
Classification: Benign. Last evaluated: 2025-12-29. Review status: criteria provided, single submitter. Criteria: Invitae Variant Classification Sherloc (09022015). Collection method: clinical testing. Allele origin: germline.

CeGaT Center for Human Genetics Tuebingen
Classification: Likely benign. Last evaluated: 2025-09-01. Review status: criteria provided, single submitter. Criteria: CeGaT Center For Human Genetics Tuebingen Variant Classification Criteria Version 2. Collection method: clinical testing. Allele origin: germline. Affected: yes. Observed: 1 variant allele.
Comment: IL6ST: BP4, BS2

Blueprint Genetics
Classification: Likely benign. Last evaluated: 2024-11-25. Review status: criteria provided, single submitter. Criteria: ACMG Guidelines, 2015. Collection method: clinical testing. Allele origin: germline.

NM_002184.4(IL6ST):c.1301C>G (p.Pro434Arg)

Gene: IL6ST (interleukin 6 cytokine family signal transducer; minus strand). Cytogenetic location: 5q11.2.
Variant type: single nucleotide variant.
Coding change: c.1301C>G on transcript NM_002184.4 (MANE Select); coding-DNA position 1301, C replaced by G.
Protein change: p.Pro434Arg; replaces proline 434 with arginine.
Molecular consequence: missense variant. On other transcripts: 3 prime UTR variant (1), non-coding transcript variant (2), intron variant (1).
Genome position (GRCh38, 1-based): chr5:55,954,959, G>C on the plus strand (C>G on the coding strand, the complement: IL6ST is on the minus strand). VCF-style: chr5-55954959-G-C. GRCh37 (hg19) VCF-style: chr5-55250787-G-C.
Other names: c.1301C>G, p.Pro434Arg (NM_001364275.2); c.1091C>G, p.Pro364Arg (NM_001364276.2); c.434C>G, p.Pro145Arg (NM_001364277.2); c.398C>G, p.Pro133Arg (NM_001364278.2); c.305C>G, p.Pro102Arg (NM_001364279.2); c.*228C>G (NM_175767.3); c.1267+1066C>G (NM_001190981.2); short protein forms P102R, P133R, P145R, P364R, P434R.
Identifiers: ClinVar variation 1170041 (VCV001170041.17), dbSNP rs140433866, ClinGen allele CA3271448.